The following is an entry in ClinVar:

ClinVar aggregate classification (germline): Uncertain significance (1 of 4 stars; one submission).

Conditions:
Developmental and epileptic encephalopathy, 14 (DEE14). Also called: Early infantile epileptic encephalopathy 14. Identifiers: Orphanet 293181, MedGen C3554195, MONDO:0013989, OMIM 614959.
Autosomal dominant nocturnal frontal lobe epilepsy 5. Also called: KCNT1-Related Epilepsy; CILIARY DYSKINESIA, PRIMARY, 28, WITH SITUS INVERSUS; Epilepsy, nocturnal frontal lobe, 5; CILIARY DYSKINESIA, PRIMARY, 28, WITHOUT SITUS INVERSUS. Identifiers: Orphanet 98784, MedGen C3554306, MONDO:0014002, OMIM 615005.

gnomAD v4.1: 1 of 1,549,750 alleles (0.000065%); highest among the groups gnomAD compares: South Asian, 0.0012%; no homozygotes.

Submission:

Labcorp Genetics (formerly Invitae), Labcorp
Classification: Uncertain significance for Autosomal dominant nocturnal frontal lobe epilepsy 5; Developmental and epileptic encephalopathy, 14. Last evaluated: 2022-08-31. Review status: criteria provided, single submitter. Criteria: Invitae Variant Classification Sherloc (09022015). Collection method: clinical testing. Allele origin: germline.
Comment: In summary, the available evidence is currently insufficient to determine the role of this variant in disease. Therefore, it has been classified as a Variant of Uncertain Significance. Advanced modeling of protein sequence and biophysical properties (such as structural, functional, and spatial information, amino acid conservation, physicochemical variation, residue mobility, and thermodynamic stability) performed at Invitae indicates that this missense variant is expected to disrupt KCNT1 protein function. ClinVar contains an entry for this variant (Variation ID: 1434957). This variant has not been reported in the literature in individuals affected with KCNT1-related conditions. This variant is not present in population databases (gnomAD no frequency). This sequence change replaces glutamic acid, which is acidic and polar, with glycine, which is neutral and non-polar, at codon 733 of the KCNT1 protein (p.Glu733Gly).

NM_020822.3(KCNT1):c.2198A>G (p.Glu733Gly)

Gene: KCNT1 (potassium sodium-activated channel subfamily T member 1; plus strand). Cytogenetic location: 9q34.3.
Variant type: single nucleotide variant.
Coding change: c.2198A>G on transcript NM_020822.3 (MANE Select); coding-DNA position 2198, A replaced by G.
Protein change: p.Glu733Gly; replaces glutamic acid 733 with glycine.
Molecular consequence: missense variant.
Genome position (GRCh38, 1-based): chr9:135,772,904, A>G. VCF-style: chr9-135772904-A-G. GRCh37 (hg19) VCF-style: chr9-138664750-A-G.
Other names: c.2063A>G, p.Glu688Gly (NM_001272003.2); short protein forms E733G, E688G.
Identifiers: ClinVar variation 1434957 (VCV001434957.6), dbSNP rs2131521801, ClinGen allele CA375511071.